The following is an entry in ClinVar:

ClinVar aggregate classification (germline): Likely benign (1 of 4 stars; one submission).

Conditions:
Congenital stationary night blindness 1C. Also called: Night blindness, congenital stationary (complete), 1C, autosomal recessive. Identifiers: Orphanet 215, MedGen C2750747, MONDO:0013183, OMIM 613216.

Allele frequency attached by ClinVar (database versions not stated): gnomAD 0.00044 and 0.00063; TOPMed 0.00087; 1000 Genomes Project 30x 0.00250; 1000 Genomes Project 0.00260.
gnomAD v4.1: 582 of 616,026 alleles (0.094%); highest among the groups gnomAD compares: East Asian, 1.5%; 7 homozygotes.

Submission:

Illumina Laboratory Services, Illumina
Classification: Likely benign for Congenital stationary night blindness 1C. Last evaluated: 2018-01-12. Review status: criteria provided, single submitter. Criteria: ICSL Variant Classification Criteria 13 December 2019. Collection method: clinical testing. Allele origin: germline.
Comment: This variant was observed in the ICSL laboratory as part of a predisposition screen in an ostensibly healthy population. It had not been previously curated by ICSL or reported in the Human Gene Mutation Database (HGMD: prior to June 1st, 2018), and was therefore a candidate for classification through an automated scoring system. Utilizing variant allele frequency, disease prevalence and penetrance estimates, and inheritance mode, an automated score was calculated to assess if this variant is too frequent to cause the disease. Based on the score and internal cut-off values, a variant classified as likely benign is not then subjected to further curation. The score for this variant resulted in a classification of likely benign for this disease.

NM_001252024.2(TRPM1):c.*206A>G

Gene: TRPM1 (transient receptor potential cation channel subfamily M member 1; minus strand). Cytogenetic location: 15q13.3.
Variant type: single nucleotide variant.
Coding change: c.*206A>G on transcript NM_001252024.2 (MANE Select); 206 bases downstream of the stop codon, A replaced by G.
Molecular consequence: 3 prime UTR variant.
Genome position (GRCh38, 1-based): chr15:31,001,616, T>C on the plus strand (A>G on the coding strand, the complement: TRPM1 is on the minus strand). VCF-style: chr15-31001616-T-C. GRCh37 (hg19) VCF-style: chr15-31293819-T-C.
Other names: c.*206A>G (NM_001252020.2, NM_002420.6).
Identifiers: ClinVar variation 884235 (VCV000884235.4), dbSNP rs185083296, ClinGen allele CA267495874.